The following is an entry in ClinVar:

NC_000023.10:g.(?_32456431)_(32487970_?)del

Gene: DMD (dystrophin; minus strand). Cytogenetic location: Xp21.1.
Variant type: Deletion.
Identifiers: ClinVar variation 2425002 (VCV002425002.5).

ClinVar aggregate classification (germline): Pathogenic (1 of 4 stars; one submission).

Conditions:
Duchenne muscular dystrophy (DMD). Also called: Duchenne Muscular Dystrophy (DMD); MUSCULAR DYSTROPHY, PSEUDOHYPERTROPHIC PROGRESSIVE, DUCHENNE TYPE. Identifiers: Orphanet 98896, MedGen C0013264, MONDO:0010679, OMIM 310200.

Submission:

Labcorp Genetics (formerly Invitae), Labcorp
Classification: Pathogenic for Duchenne muscular dystrophy. Last evaluated: 2022-09-10. Review status: criteria provided, single submitter. Criteria: Invitae Variant Classification Sherloc (09022015). Collection method: clinical testing. Allele origin: germline.
Comment: For these reasons, this variant has been classified as Pathogenic. This variant disrupts a region of the DMD protein in which other variant(s) (Deletion (Exons 23-25)) have been determined to be pathogenic (Invitae). This suggests that this is a clinically significant region of the protein, and that variants that disrupt it are likely to be disease-causing. This variant has not been reported in the literature in individuals affected with DMD-related conditions. This variant results in the deletion of exons 23-28 and part of exon 29 (c.2950-1143_3998del) of the DMD gene. It is expected to disrupt RNA splicing. Variants that disrupt the donor or acceptor splice site typically lead to a loss of protein function (PMID: 16199547), and loss-of-function variants in DMD are known to be pathogenic (PMID: 16770791, 25007885).

Literature cited by the submitters: PubMed 16199547; PubMed 16770791; PubMed 25007885.